The following is an entry in ClinVar:

ClinVar aggregate classification (germline): Likely benign (0 of 4 stars; one submission).

Conditions:
HSD17B4-related disorder. Also called: HSD17B4-related disorders; HSD17B4-related condition.

Submission:

PreventionGenetics, part of Exact Sciences
Classification: Likely benign for HSD17B4-related condition. Last evaluated: 2024-05-16. Review status: no assertion criteria provided. Collection method: clinical testing. Allele origin: germline.
Comment: This variant is classified as likely benign based on ACMG/AMP sequence variant interpretation guidelines (Richards et al. 2015 PMID: 25741868, with internal and published modifications).

NM_000414.4(HSD17B4):c.*1A>G

Gene: HSD17B4 (hydroxysteroid 17-beta dehydrogenase 4; plus strand). Cytogenetic location: 5q23.1.
Variant type: single nucleotide variant.
Coding change: c.*1A>G on transcript NM_000414.4 (MANE Select); 1 bases downstream of the stop codon, A replaced by G.
Molecular consequence: 3 prime UTR variant. On other transcripts: non-coding transcript variant (2).
Genome position (GRCh38, 1-based): chr5:119,541,995, A>G. VCF-style: chr5-119541995-A-G. GRCh37 (hg19) VCF-style: chr5-118877690-A-G.
Other names: c.*1A>G (NM_001199291.3, NM_001199292.2, NM_001292027.2 and 8 more transcripts).
Identifiers: ClinVar variation 3348904 (VCV003348904.1).
Genomic context (GRCh38, chr5:119,541,995, plus strand): 5'-GGGAACATCATGCTGAGCCAGAAACTTCAGATGATTCTTAAAGACTACGCCAAGCTCTGA[A>G]GGGCACACTACACTATTAATAAAAATGGAATCATTAAATACTCTCTTCACCCAAATATGC-3'